The following is an entry in ClinVar:

ClinVar aggregate classification (germline): Uncertain significance (1 of 4 stars; one submission).

Conditions:
Growth hormone insensitivity with immune dysregulation 1, autosomal recessive. Also called: Laron syndrome with immunodeficiency; GROWTH HORMONE INSENSITIVITY SYNDROME WITH IMMUNE DYSREGULATION 1, AUTOSOMAL RECESSIVE; GROWTH HORMONE INSENSITIVITY DUE TO POSTRECEPTOR DEFECT; LARON SYNDROME DUE TO POSTRECEPTOR DEFECT. Identifiers: Orphanet 220465, MedGen C5435698, MONDO:0100211, OMIM 245590.

Submission:

Labcorp Genetics (formerly Invitae), Labcorp
Classification: Uncertain significance for Growth hormone insensitivity with immune dysregulation 1, autosomal recessive. Last evaluated: 2025-07-20. Review status: criteria provided, single submitter. Criteria: Invitae Variant Classification Sherloc (09022015). Collection method: clinical testing. Allele origin: germline.
Comment: This sequence change replaces asparagine, which is neutral and polar, with aspartic acid, which is acidic and polar, at codon 476 of the STAT5B protein (p.Asn476Asp). This variant is not present in population databases (gnomAD no frequency). This variant has not been reported in the literature in individuals affected with STAT5B-related conditions. Invitae Evidence Modeling of protein sequence and biophysical properties (such as structural, functional, and spatial information, amino acid conservation, physicochemical variation, residue mobility, and thermodynamic stability) indicates that this missense variant is not expected to disrupt STAT5B protein function with a negative predictive value of 80%. In summary, the available evidence is currently insufficient to determine the role of this variant in disease. Therefore, it has been classified as a Variant of Uncertain Significance.

NM_012448.4(STAT5B):c.1426A>G (p.Asn476Asp)

Gene: STAT5B (signal transducer and activator of transcription 5B; minus strand). Cytogenetic location: 17q21.2.
Variant type: single nucleotide variant.
Coding change: c.1426A>G on transcript NM_012448.4 (MANE Select); coding-DNA position 1426, A replaced by G.
Protein change: p.Asn476Asp; replaces asparagine 476 with aspartic acid.
Molecular consequence: missense variant.
Genome position (GRCh38, 1-based): chr17:42,216,061, T>C on the plus strand (A>G on the coding strand, the complement: STAT5B is on the minus strand). VCF-style: chr17-42216061-T-C. GRCh37 (hg19) VCF-style: chr17-40368079-T-C.
Other names: short protein forms N476D.
Identifiers: ClinVar variation 4746237 (VCV004746237.1).